The following is an entry in ClinVar:

NM_006082.3(TUBA1B):c.686G>A (p.Arg229His)

Gene: TUBA1B (tubulin alpha 1b; minus strand). Cytogenetic location: 12q13.12.
Variant type: single nucleotide variant.
Coding change: c.686G>A on transcript NM_006082.3 (MANE Select); coding-DNA position 686, G replaced by A.
Protein change: p.Arg229His; replaces arginine 229 with histidine.
Molecular consequence: missense variant.
Genome position (GRCh38, 1-based): chr12:49,128,628, C>T on the plus strand (G>A on the coding strand, the complement: TUBA1B is on the minus strand). VCF-style: chr12-49128628-C-T. GRCh37 (hg19) VCF-style: chr12-49522411-C-T.
Other names: short protein forms R229H.
Identifiers: ClinVar variation 2576622 (VCV002576622.2), dbSNP rs2498792203, ClinGen allele CA384638867.
Genomic context (GRCh38, chr12:49,128,628, plus strand): 5'-TTCAGGGCTCCATCAAATCTCAGGGAAGCAGTGATGGAGGACACAATCTGGCTAATAAGG[C>T]GGTTAAGGTTAGTGTAGGTTGGGCGCTCGATATCGAGGTTTCTACGACAGATGTCATAGA-3'
Protein context (NP_006073.2, residues 219-239): IERPTYTNLN[Arg229His]LISQIVSSIT

ClinVar aggregate classification (germline): Uncertain significance (1 of 4 stars; one submission).

Conditions:
TUBA1B-associated neurodevelopmental disorder.

Submission:

Institute of Human Genetics, University of Leipzig Medical Center
Classification: Uncertain significance for TUBA1B-associated neurodevelopmental disorder. Last evaluated: 2023-04-13. Review status: criteria provided, single submitter. Criteria: ACMG Guidelines, 2015. Collection method: clinical testing. Allele origin: de novo. Inheritance: Autosomal dominant inheritance. Affected: yes.
Comment: Criteria applied: PS2_MOD,PM2_SUP,PP2,PP3